The following is an entry in ClinVar:

ClinVar aggregate classification (germline): Likely benign. Review status: criteria provided, multiple submitters, no conflicts (2 of 4 stars). 2 submissions from 2 submitters: Likely benign (2). Last evaluated 2026-05-11.

Conditions:
Neurofibromatosis, type 1 (NF1). Also called: NEUROFIBROMATOSIS, TYPE I, SOMATIC; Peripheral type neurofibromatosis; VON RECKLINGHAUSEN DISEASE; Neurofibromatosis, type I. Identifiers: Orphanet 636, MedGen C0027831, MONDO:0018975, OMIM 162200. Disease mechanism: loss of function.

Submissions (2):

Myriad Genetics, Inc.
Classification: Likely benign for Neurofibromatosis, type 1. Last evaluated: 2026-05-11. Review status: criteria provided, single submitter. Criteria: Myriad Autosomal Dominant, Autosomal Recessive and X-Linked Classification Criteria (2023). Collection method: clinical testing. Allele origin: unknown.
Comment: This variant is considered likely benign. This variant is intronic and is not expected to impact mRNA splicing.

Labcorp Genetics (formerly Invitae), Labcorp
Classification: Likely benign for Neurofibromatosis, type 1. Last evaluated: 2025-10-29. Review status: criteria provided, single submitter. Criteria: Invitae Variant Classification Sherloc (09022015). Collection method: clinical testing. Allele origin: germline.

NM_001042492.3(NF1):c.730+8T>G

Gene: NF1 (neurofibromin 1; plus strand). Cytogenetic location: 17q11.2.
Variant type: single nucleotide variant.
Coding change: c.730+8T>G on transcript NM_001042492.3 (MANE Select); 8 bases into the intron after coding-DNA position 730, T replaced by G.
Molecular consequence: intron variant.
Genome position (GRCh38, 1-based): chr17:31,181,793, T>G. VCF-style: chr17-31181793-T-G. GRCh37 (hg19) VCF-style: chr17-29508811-T-G.
Other names: c.730+8T>G (NM_000267.4, NM_001128147.3).
Identifiers: ClinVar variation 800144 (VCV000800144.10), dbSNP rs1555608771, ClinGen allele CA915949764.
Genomic context (GRCh38, chr17:31,181,793, plus strand): 5'-TTATCCAGATGAATTTACAAAACTGTACCAGATCCCACAGACTGATATGGCTGGTAAGGA[T>G]ACGATTGATTTTTTTTTTTTTTTTGTCTTTTAAATGCCTACTTGTGACATAAAAACCTAT-3'